The following is an entry in ClinVar:

NM_021831.6(AGBL5):c.883G>C (p.Asp295His)

Gene: AGBL5 (AGBL carboxypeptidase 5; plus strand). Cytogenetic location: 2p23.3.
Variant type: single nucleotide variant.
Coding change: c.883G>C on transcript NM_021831.6 (MANE Select); coding-DNA position 883, G replaced by C.
Protein change: p.Asp295His; replaces aspartic acid 295 with histidine.
Molecular consequence: missense variant. On other transcripts: non-coding transcript variant (2).
Genome position (GRCh38, 1-based): chr2:27,055,228, G>C. VCF-style: chr2-27055228-G-C. GRCh37 (hg19) VCF-style: chr2-27278096-G-C.
Other names: c.883G>C, p.Asp295His (NM_001035506.1, NM_001035507.3); short protein forms D295H.
Identifiers: ClinVar variation 2836113 (VCV002836113.3), dbSNP rs879253768, ClinGen allele CA346175784.

ClinVar aggregate classification (germline): Uncertain significance (1 of 4 stars; one submission).

Submission:

Labcorp Genetics (formerly Invitae), Labcorp
Classification: Uncertain significance. Last evaluated: 2023-02-10. Review status: criteria provided, single submitter. Criteria: Invitae Variant Classification Sherloc (09022015). Collection method: clinical testing. Allele origin: germline.
Comment: This variant is not present in population databases (gnomAD no frequency). This sequence change replaces aspartic acid, which is acidic and polar, with histidine, which is basic and polar, at codon 295 of the AGBL5 protein (p.Asp295His). This missense change has been observed in individual(s) with retinitis pigmentosa (Invitae). Algorithms developed to predict the effect of missense changes on protein structure and function are either unavailable or do not agree on the potential impact of this missense change (SIFT: "Deleterious"; PolyPhen-2: "Probably Damaging"; Align-GVGD: "Class C0"). This variant disrupts the p.Asp295 amino acid residue in AGBL5. Other variant(s) that disrupt this residue have been determined to be pathogenic (PMID: 26720455; Invitae). This suggests that this residue is clinically significant, and that variants that disrupt this residue are likely to be disease-causing. In summary, the available evidence is currently insufficient to determine the role of this variant in disease. Therefore, it has been classified as a Variant of Uncertain Significance.

Literature cited by the submitters: PubMed 26720455.